The following is an entry in ClinVar:

ClinVar aggregate classification (germline): Uncertain significance (0 of 4 stars; one submission).

Allele frequency attached by ClinVar (database versions not stated): ExAC 0.00002; TOPMed 0.00002; gnomAD 0.00003; gnomAD exomes 0.00003 and 0.00004.
gnomAD v4.1: 60 of 1,613,840 alleles (0.0037%); highest among the groups gnomAD compares: Non-Finnish European, 0.0047%; no homozygotes.

Submission:

Department of Pathology and Laboratory Medicine, Sinai Health System
Classification: Uncertain significance. Review status: no assertion criteria provided. Collection method: clinical testing. Allele origin: unknown. Affected: yes. Study: The Canadian Open Genetics Repository (COGR).
Comment: The TIMMDC1 p.Arg220Gly variant was not identified in the literature nor was it identified in ClinVar or LOVD 3.0. The variant was identified in dbSNP (ID: rs776252175). The variant was identified in control databases in 8 of 282702 chromosomes at a frequency of 0.0000283 (Genome Aggregation Database March 6, 2019, v2.1.1). The variant was observed in the following populations: Other in 1 of 7220 chromosomes (freq: 0.000139), European (non-Finnish) in 6 of 129044 chromosomes (freq: 0.000047), African in 1 of 24966 chromosomes (freq: 0.00004), but was not observed in the Latino, Ashkenazi Jewish, East Asian, European (Finnish), or South Asian populations. The p.Arg220 residue is conserved in mammals and computational analyses (PolyPhen-2, SIFT, AlignGVGD, BLOSUM, MutationTaster) provide inconsistent predictions regarding the impact to the protein; this information is not very predictive of pathogenicity. The variant occurs outside of the splicing consensus sequence and in silico or computational prediction software programs (SpliceSiteFinder, MaxEntScan, NNSPLICE, GeneSplicer) do not predict a difference in splicing. In summary, based on the above information the clinical significance of this variant cannot be determined with certainty at this time. This variant is classified as a variant of uncertain significance.

NM_016589.4(TIMMDC1):c.658A>G (p.Arg220Gly)

Gene: TIMMDC1 (translocase of inner mitochondrial membrane domain containing 1; plus strand). Cytogenetic location: 3q13.33.
Variant type: single nucleotide variant.
Coding change: c.658A>G on transcript NM_016589.4 (MANE Select); coding-DNA position 658, A replaced by G.
Protein change: p.Arg220Gly; replaces arginine 220 with glycine.
Molecular consequence: missense variant.
Genome position (GRCh38, 1-based): chr3:119,517,266, A>G. VCF-style: chr3-119517266-A-G. GRCh37 (hg19) VCF-style: chr3-119236113-A-G.
Other names: short protein forms R220G.
Identifiers: ClinVar variation 1049713 (VCV001049713.1), dbSNP rs776252175, ClinGen allele CA2555330.